The following is an entry in ClinVar:

ClinVar aggregate classification (germline): Uncertain significance (1 of 4 stars; one submission).

Conditions:
Cardiovascular phenotype. Identifiers: MedGen CN230736.

Allele frequency attached by ClinVar (database versions not stated): gnomAD exomes below 0.00001; TOPMed 0.00001.
gnomAD v4.1: 2 of 1,613,454 alleles (0.00012%); highest among the groups gnomAD compares: African/African-American, 0.0013%; no homozygotes.

Submission:

Ambry Genetics
Classification: Uncertain significance for Cardiovascular phenotype. Last evaluated: 2023-09-24. Review status: criteria provided, single submitter. Criteria: Ambry Variant Classification Scheme 2023. Collection method: clinical testing. Allele origin: germline.
Comment: The c.-1C>T variant is located in the 5' untranslated region (5&rsquo;UTR) of the CALM2 gene. This variant results from a C to T substitution 1 nucleotide upstream from the first translated codon. This nucleotide position is highly conserved in available vertebrate species. Since supporting evidence is limited at this time, the clinical significance of this alteration remains unclear.

NM_001743.6(CALM2):c.-1C>T

Gene: CALM2 (calmodulin 2; minus strand). Cytogenetic location: 2p21.
Variant type: single nucleotide variant.
Coding change: c.-1C>T on transcript NM_001743.6 (MANE Select); 1 bases upstream of the start codon, C replaced by T.
Molecular consequence: 5 prime UTR variant. On other transcripts: missense variant (1), intron variant (1).
Genome position (GRCh38, 1-based): chr2:47,176,444, G>A on the plus strand (C>T on the coding strand, the complement: CALM2 is on the minus strand). VCF-style: chr2-47176444-G-A. GRCh37 (hg19) VCF-style: chr2-47403583-G-A.
Other names: c.98C>T, p.Ala33Val (NM_001305624.1); c.-106+405C>T (NM_001305625.2); short protein forms A33V.
Identifiers: ClinVar variation 3221773 (VCV003221773.1), dbSNP rs934911708, ClinGen allele CA46706286.